The following is an entry in ClinVar:

ClinVar aggregate classification (germline): Uncertain significance. Review status: criteria provided, multiple submitters, no conflicts (2 of 4 stars). 2 submissions from 2 submitters: Uncertain significance (2). Last evaluated 2024-06-13.

Allele frequency attached by ClinVar (database versions not stated): ExAC 0.00002; gnomAD 0.00002; TOPMed 0.00003; gnomAD exomes 0.00009.
gnomAD v4.1: 128 of 1,600,728 alleles (0.008%); highest among the groups gnomAD compares: Non-Finnish European, 0.01%; no homozygotes.

Submissions (2):

Ambry Genetics
Classification: Uncertain significance. Last evaluated: 2024-06-13. Review status: criteria provided, single submitter. Criteria: Ambry Variant Classification Scheme 2023. Collection method: clinical testing. Allele origin: germline.

Labcorp Genetics (formerly Invitae), Labcorp
Classification: Uncertain significance. Last evaluated: 2022-08-16. Review status: criteria provided, single submitter. Criteria: Invitae Variant Classification Sherloc (09022015). Collection method: clinical testing. Allele origin: germline.
Comment: This sequence change replaces proline, which is neutral and non-polar, with leucine, which is neutral and non-polar, at codon 2191 of the CACNA1B protein (p.Pro2191Leu). This variant is present in population databases (rs201164368, gnomAD 0.006%). This variant has not been reported in the literature in individuals affected with CACNA1B-related conditions. Advanced modeling of protein sequence and biophysical properties (such as structural, functional, and spatial information, amino acid conservation, physicochemical variation, residue mobility, and thermodynamic stability) performed at Invitae indicates that this missense variant is expected to disrupt CACNA1B protein function. In summary, the available evidence is currently insufficient to determine the role of this variant in disease. Therefore, it has been classified as a Variant of Uncertain Significance.

NM_000718.4(CACNA1B):c.6572C>T (p.Pro2191Leu)

Gene: CACNA1B (calcium voltage-gated channel subunit alpha1 B; plus strand). Cytogenetic location: 9q34.3.
Variant type: single nucleotide variant.
Coding change: c.6572C>T on transcript NM_000718.4 (MANE Select); coding-DNA position 6572, C replaced by T.
Protein change: p.Pro2191Leu; replaces proline 2191 with leucine.
Molecular consequence: missense variant. On other transcripts: intron variant (1).
Genome position (GRCh38, 1-based): chr9:138,121,551, C>T. VCF-style: chr9-138121551-C-T. GRCh37 (hg19) VCF-style: chr9-141016003-C-T.
Other names: c.6490-105C>T (NM_001243812.2); c.6572C>T (NM_000718.3); short protein forms P2191L.
Identifiers: ClinVar variation 2175375 (VCV002175375.2), dbSNP rs201164368, ClinGen allele CA5377764.